The following is an entry in ClinVar:

ClinVar aggregate classification (germline): Uncertain significance (1 of 4 stars; one submission).

Conditions:
Brugada syndrome 8 (BRGDA8). Identifiers: Orphanet 130, MedGen C2751083, MONDO:0013148, OMIM 613123.

Submission:

Labcorp Genetics (formerly Invitae), Labcorp
Classification: Uncertain significance for Brugada syndrome 8. Last evaluated: 2021-08-27. Review status: criteria provided, single submitter. Criteria: Invitae Variant Classification Sherloc (09022015). Collection method: clinical testing. Allele origin: germline.
Comment: This sequence change replaces valine with isoleucine at codon 640 of the HCN4 protein (p.Val640Ile). The valine residue is highly conserved and there is a small physicochemical difference between valine and isoleucine. In summary, the available evidence is currently insufficient to determine the role of this variant in disease. Therefore, it has been classified as a Variant of Uncertain Significance. Advanced modeling of protein sequence and biophysical properties (such as structural, functional, and spatial information, amino acid conservation, physicochemical variation, residue mobility, and thermodynamic stability) performed at Invitae indicates that this missense variant is not expected to disrupt HCN4 protein function. This variant has not been reported in the literature in individuals affected with HCN4-related conditions. This variant is not present in population databases (ExAC no frequency).

NM_005477.3(HCN4):c.1918G>A (p.Val640Ile)

Gene: HCN4 (hyperpolarization activated cyclic nucleotide gated potassium channel 4; minus strand). Cytogenetic location: 15q24.1.
Variant type: single nucleotide variant.
Coding change: c.1918G>A on transcript NM_005477.3 (MANE Select); coding-DNA position 1918, G replaced by A.
Protein change: p.Val640Ile; replaces valine 640 with isoleucine.
Molecular consequence: missense variant.
Genome position (GRCh38, 1-based): chr15:73,325,015, C>T on the plus strand (G>A on the coding strand, the complement: HCN4 is on the minus strand). VCF-style: chr15-73325015-C-T. GRCh37 (hg19) VCF-style: chr15-73617356-C-T.
Other names: short protein forms V640I.
Identifiers: ClinVar variation 1451040 (VCV001451040.6), dbSNP rs2151215421, ClinGen allele CA393090590.
Genomic context (GRCh38, chr15:73,325,015, plus strand): 5'-CTCCAAAGTAGGAGCCGTCGGCCAGCTTGGTCTCCTTGTTGCCCTTGGTGAGCACGCTGA[C>T]CACGCCATGCTGGATGAAGTACATCTTCTTGCCAATGGTGCCTTCCCGGATGATGTAGTC-3'
Protein context (NP_005468.1, residues 630-650): KKMYFIQHGV[Val640Ile]SVLTKGNKET